The following is an entry in ClinVar:

NM_001942.4(DSG1):c.820T>C (p.Tyr274His)

Gene: DSG1 (desmoglein 1; plus strand). Cytogenetic location: 18q12.1.
Variant type: single nucleotide variant.
Coding change: c.820T>C on transcript NM_001942.4 (MANE Select); coding-DNA position 820, T replaced by C.
Protein change: p.Tyr274His; replaces tyrosine 274 with histidine.
Molecular consequence: missense variant.
Genome position (GRCh38, 1-based): chr18:31,334,017, T>C. VCF-style: chr18-31334017-T-C. GRCh37 (hg19) VCF-style: chr18-28913980-T-C.
Other names: short protein forms Y274H.
Identifiers: ClinVar variation 1917295 (VCV001917295.5), dbSNP rs1286699612, ClinGen allele CA402130738.
Genomic context (GRCh38, chr18:31,334,017, plus strand): 5'-CTACTGTAGTTCTCTCTCTTTCACACAGTTTGTGCTAAGAGTTTTCACTTCTTGTTTCAG[T>C]ATACCATAGAAATTCAAGAAAATACTCTAAATTCAAATTTGCTCGAGATTAGAGTAATTG-3'
Protein context (NP_001933.2, residues 264-284): DNIPYMEQSS[Tyr274His]TIEIQENTLN

ClinVar aggregate classification (germline): Uncertain significance (1 of 4 stars; one submission).

gnomAD v4.1: 1 of 1,596,018 alleles (0.000063%); highest among the groups gnomAD compares: African/African-American, 0.0013%; no homozygotes.

Submission:

Labcorp Genetics (formerly Invitae), Labcorp
Classification: Uncertain significance. Last evaluated: 2022-09-26. Review status: criteria provided, single submitter. Criteria: Invitae Variant Classification Sherloc (09022015). Collection method: clinical testing. Allele origin: germline.
Comment: This sequence change replaces tyrosine, which is neutral and polar, with histidine, which is basic and polar, at codon 274 of the DSG1 protein (p.Tyr274His). This variant is not present in population databases (gnomAD no frequency). This variant has not been reported in the literature in individuals affected with DSG1-related conditions. Algorithms developed to predict the effect of missense changes on protein structure and function (SIFT, PolyPhen-2, Align-GVGD) all suggest that this variant is likely to be tolerated. In summary, the available evidence is currently insufficient to determine the role of this variant in disease. Therefore, it has been classified as a Variant of Uncertain Significance.